The following is an entry in ClinVar:

ClinVar aggregate classification (germline): Pathogenic/Likely pathogenic. Review status: criteria provided, multiple submitters, no conflicts (2 of 4 stars). 2 submissions from 2 submitters: Pathogenic (1); Likely pathogenic (1). Last evaluated 2025-09-24.

Conditions:
Anemia, congenital dyserythropoietic, type IVb. Also called: CDA, TYPE IVb; ANEMIA, CONGENITAL, WITH HEREDITARY PERSISTENCE OF FETAL AND EMBRYONIC HEMOGLOBIN. Identifiers: MedGen C5975438, MONDO:0975829, OMIM 620969.

Submissions (2):

Genesolutions, Medical Genetics Institutes, Ho Chi Minh City, Vietnam
Classification: Pathogenic for Anemia, congenital dyserythropoietic, type IVb. Last evaluated: 2025-09-24. Review status: criteria provided, single submitter. Criteria: ACMG Guidelines, 2015. Collection method: clinical testing. Allele origin: germline. Affected: yes.

GeneDx
Classification: Likely pathogenic. Last evaluated: 2023-08-08. Review status: criteria provided, single submitter. Criteria: GeneDx Variant Classification Process June 2021. Collection method: clinical testing. Allele origin: germline. Affected: yes.
Comment: Identified in an adult patient with persistent fetal hemoglobin in published literature (Wang et al., 2013); Frameshift variant predicted to result in protein truncation, as the last 61 amino acids are replaced with 51 different amino acids, and other loss-of-function variants have been reported downstream in HGMD.; Not observed at significant frequency in large population cohorts (gnomAD); This variant is associated with the following publications: (PMID: 23806141)

NM_006563.5(KLF1):c.900_903dup (p.Thr302fs)

Genes: KLF1 (KLF transcription factor 1; minus strand), LOC117125591 (CRISPRi-FlowFISH-validated PRDX2 and RAD23A regulatory element; plus strand). Cytogenetic location: 19p13.13.
Variant type: Microsatellite.
Coding change: c.900_903dup on transcript NM_006563.5 (MANE Select); coding-DNA positions 900 to 903, 4 bases duplicated (GCGC; older notation c.900_903dupGCGC).
Protein change: p.Thr302fs; shifts the reading frame from threonine 302.
Molecular consequence: frameshift variant.
Genome position (GRCh38, 1-based): chr19:12,885,327-12,885,330, GCGC duplicated on the plus strand (GCGC on the coding strand, the reverse complement: KLF1 is on the minus strand). VCF-style (leftmost placement, unchanged base first): chr19-12885326-T-TGCGC. GRCh37 (hg19) VCF-style: chr19-12996140-T-TGCGC.
Other names: short protein forms T302fs.
Identifiers: ClinVar variation 3252231 (VCV003252231.2), dbSNP rs1282233748.